The following is an entry in ClinVar:

ClinVar aggregate classification (germline): Pathogenic (1 of 4 stars; one submission).

Conditions:
Neurofibromatosis, type 1 (NF1). Also called: Peripheral type neurofibromatosis; VON RECKLINGHAUSEN DISEASE; NEUROFIBROMATOSIS, TYPE I, SOMATIC; Neurofibromatosis, type I. Identifiers: Orphanet 636, MedGen C0027831, MONDO:0018975, OMIM 162200. Disease mechanism: loss of function.

Submission:

Laboratory for Molecular Medicine, Mass General Brigham Personalized Medicine
Classification: Pathogenic for Neurofibromatosis, type 1. Last evaluated: 2018-02-06. Review status: criteria provided, single submitter. Criteria: LMM Criteria. Collection method: clinical testing. Allele origin: germline. Inheritance: Autosomal dominant inheritance. Observed: 1 variant allele.
Comment: The whole gene deletion[c.(?_-50)_(*68_?)del] of NF1 has been reported in >70 in dividuals with Neurofibromatosis type 1, including both constitutional and mosai c occurrences (Kayes 1994, Rasmussen 1998, Kehrer-Sawatzki 2004, Vogt 2012, Bian chessi 2015, Yao 2016). This deletion encompasses the entire NF1 gene, though th e exact breakpoints of this deletion could not be determined due to limitations of the testing methodology. Similar deletions encompassing NF1 have been reporte d in ClinVar (Variation ID 237507). In summary, this variant meets criteria to b e classified as pathogenic for neurofibromatosis type 1 in an autosomal dominant manner. ACMG/AMP criteria applied: PVS1; PS4; PM2.

Literature cited by the submitters: PubMed 26740943; PubMed 26458495; PubMed 9643287; PubMed 15257518; PubMed 22837079; PubMed 8116612.

NM_001042492.2(NF1):c.(?_-50)_(*68_?)del

Genes: EVI2A (ecotropic viral integration site 2A; minus strand), EVI2B (ecotropic viral integration site 2B; minus strand), MIR4733HG (MIR4733 host gene; minus strand), NF1 (neurofibromin 1; plus strand), OMG (oligodendrocyte myelin glycoprotein; minus strand) and 10 more. Cytogenetic location: 17q11.2.
Variant type: Deletion.
Coding change: c.(?_-50)_(*68_?)del on transcript NM_001042492.2; a large deletion whose breakpoints are not mapped to the base.
Other names: c.(?_-50)_(*68_?)del (NM_001042492.2, LRG_214t2).
Identifiers: ClinVar variation 506282 (VCV000506282.5).